The following is an entry in ClinVar:

NM_170601.5(SIAE):c.832+1G>A

Gene: SIAE (sialic acid acetylesterase; minus strand). Cytogenetic location: 11q24.2.
Variant type: single nucleotide variant.
Coding change: c.832+1G>A on transcript NM_170601.5 (MANE Select); the canonical splice donor site of the intron after coding-DNA position 832, G replaced by A.
Molecular consequence: splice donor variant.
Genome position (GRCh38, 1-based): chr11:124,648,065, C>T on the plus strand (G>A on the coding strand, the complement: SIAE is on the minus strand). VCF-style: chr11-124648065-C-T. GRCh37 (hg19) VCF-style: chr11-124517961-C-T.
Other names: c.727+1G>A (NM_001199922.2).
Identifiers: ClinVar variation 4778159 (VCV004778159.1).
Genomic context (GRCh38, chr11:124,648,065, plus strand): 5'-TGCTGTGTTATACAGCAAACGCTATCTGATACAATGGAGAAAGAGTACACTGAACACTTA[C>T]CCTGGTACCATACTACCCCTTTCAGAGTCATATTGCACAGTGGATGGATCATGGCATTCC-3'

ClinVar aggregate classification (germline): Uncertain significance (1 of 4 stars; one submission).

gnomAD v4.1: 3 of 1,608,762 alleles (0.00019%); highest among the groups gnomAD compares: Non-Finnish European, 0.00026%; no homozygotes.

Submission:

Labcorp Genetics (formerly Invitae), Labcorp
Classification: Uncertain significance. Last evaluated: 2025-06-15. Review status: criteria provided, single submitter. Criteria: Invitae Variant Classification Sherloc (09022015). Collection method: clinical testing. Allele origin: germline.
Comment: This sequence change affects a donor splice site in intron 6 of the SIAE gene. It is expected to disrupt RNA splicing. Variants that disrupt the donor or acceptor splice site typically lead to a loss of protein function (PMID: 16199547), however the current clinical and genetic evidence is not sufficient to establish whether loss-of-function variants in SIAE cause disease. This variant is not present in population databases (gnomAD no frequency). This variant has not been reported in the literature in individuals affected with SIAE-related conditions. Algorithms developed to predict the effect of sequence changes on RNA splicing suggest that this variant may disrupt the consensus splice site. In summary, the available evidence is currently insufficient to determine the role of this variant in disease. Therefore, it has been classified as a Variant of Uncertain Significance.

Literature cited by the submitters: PubMed 16199547.